The following is an entry in ClinVar:

ClinVar aggregate classification (germline): Uncertain significance (1 of 4 stars; one submission).

Submission:

Ambry Genetics
Classification: Uncertain significance. Last evaluated: 2025-01-13. Review status: criteria provided, single submitter. Criteria: Ambry Variant Classification Scheme 2023. Collection method: clinical testing. Allele origin: germline.
Comment: The p.R541G variant (also known as c.1621C>G), located in coding exon 9 of the PALLD gene, results from a C to G substitution at nucleotide position 1621. The arginine at codon 541 is replaced by glycine, an amino acid with dissimilar properties. This amino acid position is conserved. In addition, this alteration is predicted to be deleterious by in silico analysis. Based on the available evidence, the clinical significance of this variant remains unclear.

NM_001166108.2(PALLD):c.3133C>G (p.Arg1045Gly)

Genes: CBR4 (carbonyl reductase 4; minus strand), PALLD (palladin, cytoskeletal associated protein; plus strand). Cytogenetic location: 4q32.3.
Variant type: single nucleotide variant.
Coding change: c.3133C>G on transcript NM_001166108.2 (MANE Select); coding-DNA position 3133, C replaced by G.
Protein change: p.Arg1045Gly; replaces arginine 1045 with glycine.
Molecular consequence: missense variant.
Genome position (GRCh38, 1-based): chr4:168,924,329, C>G. VCF-style: chr4-168924329-C-G. GRCh37 (hg19) VCF-style: chr4-169845480-C-G.
Other names: c.1936C>G, p.Arg646Gly (NM_001166109.2); c.1621C>G, p.Arg541Gly (NM_001166110.2); c.961C>G, p.Arg321Gly (NM_001367567.1, NM_001367569.1); c.1012C>G, p.Arg338Gly (NM_001367568.1, NM_001367570.1); c.3082C>G, p.Arg1028Gly (NM_016081.4); short protein forms R1045G, R541G, R646G, R321G, R1028G, R338G.
Identifiers: ClinVar variation 3885303 (VCV003885303.1).